The following is an entry in ClinVar:

ClinVar aggregate classification (germline): Uncertain significance (1 of 4 stars; one submission).

Conditions:
Severe combined immunodeficiency due to CORO1A deficiency. Also called: IMMUNODEFICIENCY 8 WITH LYMPHOPROLIFERATION; Immunodeficiency 8. Identifiers: Orphanet 228003, MedGen C3809383, MONDO:0014168, OMIM 615401.

Allele frequency attached by ClinVar (database versions not stated): gnomAD exomes below 0.00001 and 0.00003.
gnomAD v4.1: 40 of 1,614,172 alleles (0.0025%); highest among the groups gnomAD compares: Non-Finnish European, 0.0031%; no homozygotes.

Submission:

Labcorp Genetics (formerly Invitae), Labcorp
Classification: Uncertain significance for Severe combined immunodeficiency due to CORO1A deficiency. Last evaluated: 2021-08-31. Review status: criteria provided, single submitter. Criteria: Invitae Variant Classification Sherloc (09022015). Collection method: clinical testing. Allele origin: germline.
Comment: This sequence change replaces serine with phenylalanine at codon 8 of the CORO1A protein (p.Ser8Phe). The serine residue is weakly conserved and there is a large physicochemical difference between serine and phenylalanine. This variant is not present in population databases (ExAC no frequency). This variant has not been reported in the literature in individuals affected with CORO1A-related conditions. Algorithms developed to predict the effect of missense changes on protein structure and function are either unavailable or do not agree on the potential impact of this missense change (SIFT: "Deleterious"; PolyPhen-2: "Possibly Damaging"; Align-GVGD: "Class C0"). In summary, the available evidence is currently insufficient to determine the role of this variant in disease. Therefore, it has been classified as a Variant of Uncertain Significance.

NM_007074.4(CORO1A):c.23C>T (p.Ser8Phe)

Gene: CORO1A (coronin 1A; plus strand). Cytogenetic location: 16p11.2.
Variant type: single nucleotide variant.
Coding change: c.23C>T on transcript NM_007074.4 (MANE Select); coding-DNA position 23, C replaced by T.
Protein change: p.Ser8Phe; replaces serine 8 with phenylalanine.
Molecular consequence: missense variant.
Genome position (GRCh38, 1-based): chr16:30,185,232, C>T. VCF-style: chr16-30185232-C-T. GRCh37 (hg19) VCF-style: chr16-30196553-C-T.
Other names: c.23C>T, p.Ser8Phe (NM_001193333.3); short protein forms S8F.
Identifiers: ClinVar variation 1014798 (VCV001014798.9), dbSNP rs763479989, ClinGen allele CA280449268.